The following is an entry in ClinVar:

NM_001330723.2(SNX27):c.1475G>A (p.Arg492Gln)

Gene: SNX27 (sorting nexin 27; plus strand). Cytogenetic location: 1q21.3.
Variant type: single nucleotide variant.
Coding change: c.1475G>A on transcript NM_001330723.2 (MANE Select); coding-DNA position 1475, G replaced by A.
Protein change: p.Arg492Gln; replaces arginine 492 with glutamine.
Molecular consequence: missense variant.
Genome position (GRCh38, 1-based): chr1:151,692,996, G>A. VCF-style: chr1-151692996-G-A. GRCh37 (hg19) VCF-style: chr1-151665472-G-A.
Other names: c.1475G>A, p.Arg492Gln (NM_030918.6); c.1475G>A (NM_030918.5); short protein forms R492Q.
Identifiers: ClinVar variation 1011999 (VCV001011999.10), dbSNP rs1397864351, ClinGen allele CA341973195.

ClinVar aggregate classification (germline): Uncertain significance. Review status: criteria provided, multiple submitters, no conflicts (2 of 4 stars). 2 submissions from 2 submitters: Uncertain significance (2). Last evaluated 2025-11-08.

Conditions:
Inborn genetic diseases. Identifiers: MedGen C0950123, MeSH D030342.
Severe myoclonic epilepsy in infancy (DRVT). Also called: Epileptic encephalopathy, early infantile, 6 (Dravet syndrome); Dravet syndrome; SEVERE MYOCLONIC EPILEPSY OF INFANCY; DEVELOPMENTAL AND EPILEPTIC ENCEPHALOPATHY 6A; Severe Myoclonic Epilepsy in Infancy (SMEI). Identifiers: Orphanet 33069, MedGen C0751122, MONDO:0100135, OMIM 607208.

Allele frequency attached by ClinVar (database versions not stated): gnomAD exomes below 0.00001 and 0.00001; TOPMed 0.00002; gnomAD 0.00003.
gnomAD v4.1: 14 of 1,614,040 alleles (0.00087%); highest among the groups gnomAD compares: Admixed American, 0.005%; 1 homozygote.

Submissions (2):

Ambry Genetics
Classification: Uncertain significance for Inborn genetic diseases. Last evaluated: 2025-11-08. Review status: criteria provided, single submitter. Criteria: Ambry Variant Classification Scheme 2023. Collection method: clinical testing. Allele origin: germline.

Labcorp Genetics (formerly Invitae), Labcorp
Classification: Uncertain significance for Severe myoclonic epilepsy in infancy. Last evaluated: 2022-03-19. Review status: criteria provided, single submitter. Criteria: Invitae Variant Classification Sherloc (09022015). Collection method: clinical testing. Allele origin: germline.
Comment: This sequence change replaces arginine, which is basic and polar, with glutamine, which is neutral and polar, at codon 492 of the SNX27 protein (p.Arg492Gln). The frequency data for this variant in the population databases is considered unreliable, as metrics indicate poor data quality at this position in the gnomAD database. This variant has not been reported in the literature in individuals affected with SNX27-related conditions. ClinVar contains an entry for this variant (Variation ID: 1011999). Algorithms developed to predict the effect of missense changes on protein structure and function are either unavailable or do not agree on the potential impact of this missense change (SIFT: "Deleterious"; PolyPhen-2: "Probably Damaging"; Align-GVGD: "Class C0"). In summary, the available evidence is currently insufficient to determine the role of this variant in disease. Therefore, it has been classified as a Variant of Uncertain Significance.